The following is an entry in ClinVar:

ClinVar aggregate classification (germline): Likely benign (1 of 4 stars; one submission).

Conditions:
TRIM71-related disorder. Also called: TRIM71-related condition.

gnomAD v4.1: 225 of 1,614,016 alleles (0.014%); highest among the groups gnomAD compares: East Asian, 0.23%; 2 homozygotes.

Submission:

PreventionGenetics, part of Exact Sciences
Classification: Likely benign for TRIM71-related condition. Last evaluated: 2026-04-30. Review status: criteria provided, single submitter. Criteria: ACMG Guidelines, 2015. Collection method: clinical testing. Allele origin: germline.
Comment: This variant is classified as likely benign based on ACMG/AMP sequence variant interpretation guidelines (Richards et al. 2015 PMID: 25741868, with internal and published modifications).

NM_001039111.3(TRIM71):c.1339G>A (p.Val447Met)

Gene: TRIM71 (tripartite motif containing 71; plus strand). Cytogenetic location: 3p22.3.
Variant type: single nucleotide variant.
Coding change: c.1339G>A on transcript NM_001039111.3 (MANE Select); coding-DNA position 1339, G replaced by A.
Protein change: p.Val447Met; replaces valine 447 with methionine.
Molecular consequence: missense variant.
Genome position (GRCh38, 1-based): chr3:32,890,543, G>A. VCF-style: chr3-32890543-G-A. GRCh37 (hg19) VCF-style: chr3-32932035-G-A.
Other names: short protein forms V447M.
Identifiers: ClinVar variation 4981197 (VCV004981197.1).